The following is an entry in ClinVar:

ClinVar aggregate classification (germline): Conflicting classifications of pathogenicity. Review status: criteria provided, conflicting classifications (1 of 4 stars). 3 submissions from 3 submitters: Uncertain significance (2); Likely benign (1). Last evaluated 2023-03-23.

Conditions:
Hereditary cancer-predisposing syndrome. Also called: Neoplastic Syndromes, Hereditary; Tumor predisposition; Hereditary Cancer Syndrome; Hereditary neoplastic syndrome. Identifiers: Orphanet 140162, MedGen C0027672, MeSH D009386, MONDO:0015356.

Submissions (3):

University of Washington Department of Laboratory Medicine, University of Washington
Classification: Likely benign for Hereditary cancer-predisposing syndrome. Last evaluated: 2023-03-23. Review status: criteria provided, single submitter. Criteria: Dines et al. (Genet Med. 2020). Collection method: curation. Allele origin: germline.
Comment: Missense variant in a coldspot region where missense variants are very unlikely to be pathogenic (PMID:31911673).

BRCA1 coldspot (exon 11 using historical exon numbering). Reclassification based on statistical prior probability

Color Diagnostics, LLC DBA Color Health
Classification: Uncertain significance for Hereditary cancer-predisposing syndrome. Last evaluated: 2019-05-02. Review status: criteria provided, single submitter. Criteria: ACMG Guidelines, 2015. Collection method: clinical testing. Allele origin: germline.

Ambry Genetics
Classification: Uncertain significance for Hereditary cancer-predisposing syndrome. Last evaluated: 2014-05-13. Review status: criteria provided, single submitter. Criteria: Ambry Autosomal Dominant and X-Linked criteria (10/2015). Collection method: clinical testing. Allele origin: germline. Observed: 1 variant allele.
Comment: The p.V990I variant (also known as c.2968G>A and3087G>A), located in coding exon 9 of the BRCA1 gene, results from a G to A substitution at nucleotide position 2968. The valine at codon 990 is replaced by isoleucine, an amino acid with highly similar properties.This alteration has been reported as a variant of unknown significance after being found in 2 out of 793 Korean sporadic breast cancer patients and none of the 167 controls (Han SH et al. Clin Genet. 2006 Dec;70(6):496-501).This variant was not reported in population based cohorts in the following databases: Database of Single Nucleotide Polymorphisms (dbSNP), NHLBI Exome Sequencing Project (ESP), and 1000 Genomes Project.To date, this alteration has been detected with an allele frequency of approximately 0.002% (greater than 42,000 alleles tested) in our clinical cohort (includes this individual).This amino acid position is poorly conserved in available vertebrate species. In addition, this alteration is predicted to be tolerated by in silico analysis.Since supporting evidence is limited at this time, the clinical significance of p.V990I remains unclear.

NM_007294.4(BRCA1):c.2968G>A (p.Val990Ile)

Gene: BRCA1 (BRCA1 DNA repair associated; minus strand). Cytogenetic location: 17q21.31.
Variant type: single nucleotide variant.
Coding change: c.2968G>A on transcript NM_007294.4 (MANE Select); coding-DNA position 2968, G replaced by A.
Protein change: p.Val990Ile; replaces valine 990 with isoleucine.
Molecular consequence: missense variant. On other transcripts: intron variant (137).
Genome position (GRCh38, 1-based): chr17:43,092,563, C>T on the plus strand (G>A on the coding strand, the complement: BRCA1 is on the minus strand). VCF-style: chr17-43092563-C-T. GRCh37 (hg19) VCF-style: chr17-41244580-C-T.
Other names: c.2965G>A, p.Val989Ile (NM_001407591.1, NM_001407610.1, NM_001407611.1 and 22 more transcripts); c.2968G>A, p.Val990Ile (NM_001407593.1, NM_001407594.1, NM_001407596.1 and 30 more transcripts); c.2959G>A, p.Val987Ile (NM_001407646.1, NM_001407647.1); c.2845G>A, p.Val949Ile (NM_001407648.1, NM_001407664.1, NM_001407665.1 and 19 more transcripts); c.2842G>A, p.Val948Ile (NM_001407649.1, NM_001407670.1, NM_001407671.1 and 11 more transcripts); c.2890G>A, p.Val964Ile (NM_001407653.1, NM_001407654.1, NM_001407655.1 and 4 more transcripts); c.2887G>A, p.Val963Ile (NM_001407659.1, NM_001407660.1, NM_001407661.1 and 1 more transcripts); c.2827G>A, p.Val943Ile (NM_001407692.1, NM_001407694.1, NM_001407695.1 and 29 more transcripts); and 41 more; short protein forms V990I, V943I, V878I, V902I, V920I, V948I, V694I, V822I.
Identifiers: ClinVar variation 54734 (VCV000054734.9), dbSNP rs397509029, ClinGen allele CA001930.